The following is an entry in ClinVar:

NM_001083961.2(WDR62):c.897del (p.Cys300fs)

Gene: WDR62 (WD repeat domain 62; plus strand). Cytogenetic location: 19q13.12.
Variant type: Deletion.
Coding change: c.897del on transcript NM_001083961.2 (MANE Select); coding-DNA position 897, one base deleted (C; older notation c.897delC).
Protein change: p.Cys300fs; shifts the reading frame from cysteine 300.
Molecular consequence: frameshift variant. On other transcripts: intron variant (1).
Genome position (GRCh38, 1-based): chr19:36,071,570, C deleted; the last of 2 consecutive C bases (chr19:36,071,569-36,071,570); deleting either gives the same sequence. VCF-style (leftmost placement, unchanged base first): chr19-36071568-TC-T. GRCh37 (hg19) VCF-style: chr19-36562470-TC-T.
Other names: c.897del, p.Cys300fs (NM_001411145.1, NM_001411146.1, NM_173636.5); c.882+3560del (NM_001411147.1); short protein forms C300fs.
Identifiers: ClinVar variation 2583171 (VCV002583171.1), dbSNP rs1971301411, ClinGen allele CA2333956356.

ClinVar aggregate classification (germline): Likely pathogenic (1 of 4 stars; one submission).

Conditions:
Microcephaly 2, primary, autosomal recessive, with or without cortical malformations. Also called: WDR62 Primary Microcephaly; MICROCEPHALY 2, PRIMARY, AUTOSOMAL RECESSIVE, WITH CORTICAL MALFORMATIONS. Identifiers: Orphanet 2512, MedGen C1858535, MONDO:0011435, OMIM 604317.

Submission:

Diagnostics Services (NGS), CSIR - Centre For Cellular And Molecular Biology
Classification: Likely pathogenic for Microcephaly 2, primary, autosomal recessive, with or without cortical malformations. Last evaluated: 2023-10-06. Review status: criteria provided, single submitter. Criteria: ACMG Guidelines, 2015. Collection method: clinical testing. Allele origin: germline. Affected: yes. Observed: 1 variant allele, 1 homozygote.
Comment: The c.897del variant is not present in publicly available population databases like 1000 Genomes, EVS, ExAC, gnomAD, Indian Exome Database or our in-house exome database. This variant has neither been published in literature nor reported to the clinical databases like Human Genome Mutation Database (HGMD), ClinVar or OMIM in any affected individuals. In-silico pathogenicity programs like MutationTaster2, CADD, Varsome, Franklin etc predicted this variant to be likely deleterious. This variant causes frameshift at the 300th amino acid position of the wild-type transcript which creates a premature translational stop signal in the altered transcript that may either result in translation of a truncated protein or cause nonsense mediated decay of the mRNA.